The following is an entry in ClinVar:

ClinVar aggregate classification (germline): Uncertain significance. Review status: criteria provided, multiple submitters, no conflicts (2 of 4 stars). 2 submissions from 2 submitters: Uncertain significance (2). Last evaluated 2025-03-05.

Conditions:
Hereditary cancer-predisposing syndrome. Also called: Tumor predisposition; Hereditary Cancer Syndrome; Hereditary neoplastic syndrome; Neoplastic Syndromes, Hereditary. Identifiers: Orphanet 140162, MedGen C0027672, MeSH D009386, MONDO:0015356.

Submissions (2):

Labcorp Genetics (formerly Invitae), Labcorp
Classification: Uncertain significance. Last evaluated: 2025-03-05. Review status: criteria provided, single submitter. Criteria: Invitae Variant Classification Sherloc (09022015). Collection method: clinical testing. Allele origin: germline.
Comment: This sequence change replaces leucine, which is neutral and non-polar, with phenylalanine, which is neutral and non-polar, at codon 1573 of the POLE protein (p.Leu1573Phe). This variant is not present in population databases (gnomAD no frequency). This variant has not been reported in the literature in individuals affected with POLE-related conditions. ClinVar contains an entry for this variant (Variation ID: 2625235). Invitae Evidence Modeling of protein sequence and biophysical properties (such as structural, functional, and spatial information, amino acid conservation, physicochemical variation, residue mobility, and thermodynamic stability) indicates that this missense variant is not expected to disrupt POLE protein function with a negative predictive value of 80%. In summary, the available evidence is currently insufficient to determine the role of this variant in disease. Therefore, it has been classified as a Variant of Uncertain Significance.

Ambry Genetics
Classification: Uncertain significance for Hereditary cancer-predisposing syndrome. Last evaluated: 2023-07-23. Review status: criteria provided, single submitter. Criteria: Ambry Variant Classification Scheme 2023. Collection method: clinical testing. Allele origin: germline.
Comment: The p.L1573F variant (also known as c.4717C>T), located in coding exon 36 of the POLE gene, results from a C to T substitution at nucleotide position 4717. The leucine at codon 1573 is replaced by phenylalanine, an amino acid with highly similar properties. This amino acid position is conserved. In addition, this alteration is predicted to be tolerated by in silico analysis. Since supporting evidence is limited at this time, the clinical significance of this alteration remains unclear.

NM_006231.4(POLE):c.4717C>T (p.Leu1573Phe)

Gene: POLE (DNA polymerase epsilon, catalytic subunit; minus strand). Cytogenetic location: 12q24.33.
Variant type: single nucleotide variant.
Coding change: c.4717C>T on transcript NM_006231.4 (MANE Select); coding-DNA position 4717, C replaced by T.
Protein change: p.Leu1573Phe; replaces leucine 1573 with phenylalanine.
Molecular consequence: missense variant.
Genome position (GRCh38, 1-based): chr12:132,642,831, G>A on the plus strand (C>T on the coding strand, the complement: POLE is on the minus strand). VCF-style: chr12-132642831-G-A. GRCh37 (hg19) VCF-style: chr12-133219417-G-A.
Other names: short protein forms L1573F.
Identifiers: ClinVar variation 2625235 (VCV002625235.3), dbSNP rs2042181102, ClinGen allele CA387378630.